The following is an entry in ClinVar:

NM_199420.4(POLQ):c.1907A>G (p.Gln636Arg)

Gene: POLQ (DNA polymerase theta; minus strand). Cytogenetic location: 3q13.33.
Variant type: single nucleotide variant.
Coding change: c.1907A>G on transcript NM_199420.4 (MANE Select); coding-DNA position 1907, A replaced by G.
Protein change: p.Gln636Arg; replaces glutamine 636 with arginine.
Molecular consequence: missense variant.
Genome position (GRCh38, 1-based): chr3:121,509,613, T>C on the plus strand (A>G on the coding strand, the complement: POLQ is on the minus strand). VCF-style: chr3-121509613-T-C. GRCh37 (hg19) VCF-style: chr3-121228460-T-C.
Other names: short protein forms Q636R.
Identifiers: ClinVar variation 1782409 (VCV001782409.2), dbSNP rs2546802004, ClinGen allele CA354113494.
Genomic context (GRCh38, chr3:121,509,613, plus strand): 5'-GAACTTACCAGATAGAGAATATGAAGATCATTCTCTAAAACAAAGCCCTTCATTGCTCTT[T>C]GCAGGTCAGCAAAAATATCTAAAGTATCAGCTGGAGAAAGTGAAGAAGAAAGAGTGGCCG-3'
Protein context (NP_955452.3, residues 626-646): ADTLDIFADL[Gln636Arg]RAMKGFVLEN

ClinVar aggregate classification (germline): Uncertain significance (1 of 4 stars; one submission).

Submission:

Ambry Genetics
Classification: Uncertain significance. Last evaluated: 2024-01-12. Review status: criteria provided, single submitter. Criteria: Ambry Variant Classification Scheme 2023. Collection method: clinical testing. Allele origin: germline.
Comment: The p.Q636R variant (also known as c.1907A>G), located in coding exon 12 of the POLQ gene, results from an A to G substitution at nucleotide position 1907. The glutamine at codon 636 is replaced by arginine, an amino acid with highly similar properties. This amino acid position is conserved. In addition, this alteration is predicted to be tolerated by in silico analysis. Since supporting evidence is limited at this time, the clinical significance of this alteration remains unclear.